The following is an entry in ClinVar:

ClinVar aggregate classification (germline): Likely pathogenic (1 of 4 stars; one submission).

Conditions:
Polycystic kidney disease, adult type (PKD1). Also called: Polycystic Kidney Disease 1, Autosomal Dominant; Polycystic kidney disease 1; Polycystic kidney disease 1, severe; POLYCYSTIC KIDNEY DISEASE, ADULT, TYPE I; Polycystic Kidney, Autosomal Dominant; POLYCYSTIC KIDNEY DISEASE 1 WITH OR WITHOUT POLYCYSTIC LIVER DISEASE. Identifiers: MedGen C3149841, MONDO:0008263, OMIM 173900.

Submission:

Juno Genomics, Hangzhou Juno Genomics, Inc
Classification: Likely pathogenic for Polycystic kidney disease, adult type. Review status: criteria provided, single submitter. Criteria: ACMG Guidelines, 2015. Collection method: clinical testing. Allele origin: germline.
Comment: Absent from controls (or at extremely low frequency if recessive) in Genome Aggregation Database.;Null variant in a gene where loss of function (LOF) is a known mechanism of disease.

NM_001009944.3(PKD1):c.12290dup (p.Ala4098fs)

Gene: PKD1 (polycystin 1, transient receptor potential channel interacting; minus strand). Cytogenetic location: 16p13.3.
Variant type: Duplication.
Coding change: c.12290dup on transcript NM_001009944.3 (MANE Select); coding-DNA position 12290, one base duplicated (G; older notation c.12290dupG).
Protein change: p.Ala4098fs; shifts the reading frame from alanine 4098.
Molecular consequence: frameshift variant.
Genome position (GRCh38, 1-based): chr16:2,090,439, C duplicated on the plus strand (G on the coding strand, the reverse complement: PKD1 is on the minus strand); the first of 4 consecutive C bases (chr16:2,090,439-2,090,442); duplicating any one gives the same sequence. VCF-style (leftmost placement, unchanged base first): chr16-2090438-G-GC. GRCh37 (hg19) VCF-style: chr16-2140439-G-GC.
Other names: c.12287dup, p.Ala4097fs (NM_000296.4); short protein forms A4097fs, A4098fs.
Identifiers: ClinVar variation 3382807 (VCV003382807.3).
Genomic context (GRCh38, chr16:2,090,438, plus strand): 5'-CAGCTCTCCACGCAAGGCGTGGTAGCGCCAGCGGAGAATAACAGCCCCCAGCCGTAGGGC[G>GC]CCCCACAGCCGCAGTGCCCAGAGCCCCACACACAGCAGGGGTGACAGGTGCCAGGACTCG-3'